The following is an entry in ClinVar:

ClinVar aggregate classification (germline): Uncertain significance. Review status: criteria provided, multiple submitters, no conflicts (2 of 4 stars). 2 submissions from 2 submitters: Uncertain significance (2). Last evaluated 2021-08-31.

Conditions:
Bailey-Bloch congenital myopathy (CMYO13). Also called: Congenital myopathy 13; STAC3 disorder; Native American myopathy. Identifiers: Orphanet 168572, MedGen C1850625, MONDO:0009722, OMIM 255995.

Allele frequency attached by ClinVar (database versions not stated): gnomAD exomes below 0.00001; TOPMed below 0.00001; gnomAD 0.00001.

Submissions (2):

Labcorp Genetics (formerly Invitae), Labcorp
Classification: Uncertain significance for Bailey-Bloch congenital myopathy. Last evaluated: 2021-08-31. Review status: criteria provided, single submitter. Criteria: Invitae Variant Classification Sherloc (09022015). Collection method: clinical testing. Allele origin: germline.
Comment: This sequence change replaces asparagine with serine at codon 174 of the STAC3 protein (p.Asn174Ser). The asparagine residue is moderately conserved and there is a small physicochemical difference between asparagine and serine. This variant is not present in population databases (ExAC no frequency). This variant has not been reported in the literature in individuals affected with STAC3-related conditions. Algorithms developed to predict the effect of missense changes on protein structure and function (SIFT, PolyPhen-2, Align-GVGD) all suggest that this variant is likely to be tolerated. Algorithms developed to predict the effect of sequence changes on RNA splicing suggest that this variant may create or strengthen a splice site. In summary, the available evidence is currently insufficient to determine the role of this variant in disease. Therefore, it has been classified as a Variant of Uncertain Significance.

Revvity Omics, Revvity
Classification: Uncertain significance for Bailey-Bloch congenital myopathy. Last evaluated: 2020-04-14. Review status: criteria provided, single submitter. Criteria: ACMG Guidelines, 2015. Collection method: clinical testing. Allele origin: germline.

NM_145064.3(STAC3):c.521A>G (p.Asn174Ser)

Gene: STAC3 (SH3 and cysteine rich domain 3; minus strand). Cytogenetic location: 12q13.3.
Variant type: single nucleotide variant.
Coding change: c.521A>G on transcript NM_145064.3 (MANE Select); coding-DNA position 521, A replaced by G.
Protein change: p.Asn174Ser; replaces asparagine 174 with serine.
Molecular consequence: missense variant. On other transcripts: 5 prime UTR variant (1), non-coding transcript variant (1).
Genome position (GRCh38, 1-based): chr12:57,246,886, T>C on the plus strand (A>G on the coding strand, the complement: STAC3 is on the minus strand). VCF-style: chr12-57246886-T-C. GRCh37 (hg19) VCF-style: chr12-57640669-T-C.
Other names: c.521A>G (NM_145064.1); c.404A>G, p.Asn135Ser (NM_001286256.2); c.-38A>G (NM_001286257.2); short protein forms N135S, N174S.
Identifiers: ClinVar variation 1450178 (VCV001450178.7), dbSNP rs1038718298, ClinGen allele CA237757905.